The following is an entry in ClinVar:

ClinVar aggregate classification (germline): Conflicting classifications of pathogenicity. Review status: criteria provided, conflicting classifications (1 of 4 stars). 2 submissions from 2 submitters: Uncertain significance (1); Likely benign (1). Last evaluated 2026-01-13.

Allele frequency attached by ClinVar (database versions not stated): gnomAD 0.00002 and 0.00003; gnomAD exomes 0.00002 and 0.00006; TOPMed 0.00005; ExAC 0.00007.
gnomAD v4.1: 33 of 1,612,494 alleles (0.002%); highest among the groups gnomAD compares: East Asian, 0.042%; no homozygotes.

Submissions (2):

Labcorp Genetics (formerly Invitae), Labcorp
Classification: Uncertain significance. Last evaluated: 2026-01-13. Review status: criteria provided, single submitter. Criteria: Invitae Variant Classification Sherloc (09022015). Collection method: clinical testing. Allele origin: germline.
Comment: This sequence change falls in intron 18 of the COL9A3 gene. It does not directly change the encoded amino acid sequence of the COL9A3 protein. This variant is present in population databases (rs774780606, gnomAD 0.06%). This variant has not been reported in the literature in individuals affected with COL9A3-related conditions. ClinVar contains an entry for this variant (Variation ID: 1467137). Algorithms developed to predict the effect of sequence changes on RNA splicing suggest that this variant may disrupt the consensus splice site. In summary, the available evidence is currently insufficient to determine the role of this variant in disease. Therefore, it has been classified as a Variant of Uncertain Significance.

Blueprint Genetics
Classification: Likely benign. Last evaluated: 2023-11-09. Review status: criteria provided, single submitter. Criteria: ACMG Guidelines, 2015. Collection method: clinical testing. Allele origin: germline.

NM_001853.4(COL9A3):c.955-16A>G

Gene: COL9A3 (collagen type IX alpha 3 chain; plus strand). Cytogenetic location: 20q13.33.
Variant type: single nucleotide variant.
Coding change: c.955-16A>G on transcript NM_001853.4 (MANE Select); 16 bases into the intron before coding-DNA position 955, A replaced by G.
Molecular consequence: intron variant.
Genome position (GRCh38, 1-based): chr20:62,828,907, A>G. VCF-style: chr20-62828907-A-G. GRCh37 (hg19) VCF-style: chr20-61460259-A-G.
Identifiers: ClinVar variation 1467137 (VCV001467137.7), dbSNP rs774780606, ClinGen allele CA9949638.
Genomic context (GRCh38, chr20:62,828,907, plus strand): 5'-GGGAGGGGGCTGGAGGGGAGTTCGGCCTCCCGAGGCCTCAGCCTCCCCTTCCGCACCCCA[A>G]TCTCTGTCCTCACAGGGAGAGGCTGGTCGCAACGGTGCTCCGGGAGAGAAGGGCCCCAAC-3'